The following is an entry in ClinVar:

ClinVar aggregate classification (germline): Uncertain significance. Review status: criteria provided, multiple submitters, no conflicts (2 of 4 stars). 2 submissions from 2 submitters: Uncertain significance (2). Last evaluated 2022-02-17.

Allele frequency attached by ClinVar (database versions not stated): ExAC 0.00001; gnomAD exomes 0.00002; TOPMed 0.00002; gnomAD 0.00003.
gnomAD v4.1: 37 of 1,612,076 alleles (0.0023%); highest among the groups gnomAD compares: Non-Finnish European, 0.003%; no homozygotes.

Submissions (2):

Labcorp Genetics (formerly Invitae), Labcorp
Classification: Uncertain significance. Last evaluated: 2022-02-17. Review status: criteria provided, single submitter. Criteria: Invitae Variant Classification Sherloc (09022015). Collection method: clinical testing. Allele origin: germline.
Comment: In summary, the available evidence is currently insufficient to determine the role of this variant in disease. Therefore, it has been classified as a Variant of Uncertain Significance. Algorithms developed to predict the effect of sequence changes on RNA splicing suggest that this variant is not likely to affect RNA splicing. Algorithms developed to predict the effect of missense changes on protein structure and function are either unavailable or do not agree on the potential impact of this missense change (SIFT: "Deleterious"; PolyPhen-2: "Probably Damaging"; Align-GVGD: "Class C0"). This variant has not been reported in the literature in individuals affected with ATF6-related conditions. This variant is present in population databases (rs772719181, gnomAD 0.002%). This sequence change replaces aspartic acid, which is acidic and polar, with asparagine, which is neutral and polar, at codon 564 of the ATF6 protein (p.Asp564Asn).

Blueprint Genetics
Classification: Uncertain significance. Last evaluated: 2020-09-08. Review status: criteria provided, single submitter. Criteria: ACMG Guidelines, 2015. Collection method: clinical testing. Allele origin: germline.

NM_007348.4(ATF6):c.1690G>A (p.Asp564Asn)

Gene: ATF6 (activating transcription factor 6; plus strand). Cytogenetic location: 1q23.3.
Variant type: single nucleotide variant.
Coding change: c.1690G>A on transcript NM_007348.4 (MANE Select); coding-DNA position 1690, G replaced by A.
Protein change: p.Asp564Asn; replaces aspartic acid 564 with asparagine.
Molecular consequence: missense variant.
Genome position (GRCh38, 1-based): chr1:161,863,283, G>A. VCF-style: chr1-161863283-G-A. GRCh37 (hg19) VCF-style: chr1-161833073-G-A.
Other names: c.1687G>A, p.Asp563Asn (NM_001410890.1); short protein forms D564N, D563N.
Identifiers: ClinVar variation 1943556 (VCV001943556.4), dbSNP rs772719181, ClinGen allele CA1214566.